The following is an entry in ClinVar:

NM_031935.3(HMCN1):c.5749+6G>A

Gene: HMCN1 (hemicentin 1; plus strand). Cytogenetic location: 1q31.1.
Variant type: single nucleotide variant.
Coding change: c.5749+6G>A on transcript NM_031935.3 (MANE Select); 6 bases into the intron after coding-DNA position 5749, G replaced by A.
Molecular consequence: intron variant.
Genome position (GRCh38, 1-based): chr1:186,023,159, G>A. VCF-style: chr1-186023159-G-A. GRCh37 (hg19) VCF-style: chr1-185992291-G-A.
Identifiers: ClinVar variation 873694 (VCV000873694.13), dbSNP rs575776317, ClinGen allele CA1292351.

ClinVar aggregate classification (germline): Likely benign. Review status: criteria provided, multiple submitters, no conflicts (2 of 4 stars). 4 submissions from 4 submitters: Likely benign (4). Last evaluated 2026-08-10.

Conditions:
Age related macular degeneration 1 (ARMD1). Also called: MACULOPATHY, AGE-RELATED, 1. Identifiers: MedGen C1864205, MONDO:0011285, OMIM 603075.
HMCN1-related disorder. Also called: HMCN1-related condition.

Allele frequency attached by ClinVar (database versions not stated): gnomAD exomes 0.00006 and 0.00017; gnomAD 0.00007 and 0.00004; TOPMed 0.00009; ExAC 0.00017; 1000 Genomes Project 0.00040; 1000 Genomes Project 30x 0.00047.
gnomAD v4.1: 100 of 1,611,644 alleles (0.0062%); highest among the groups gnomAD compares: East Asian, 0.21%; no homozygotes.

Submissions (4):

PreventionGenetics, part of Exact Sciences
Classification: Likely benign for HMCN1-related condition. Last evaluated: 2026-08-10. Review status: criteria provided, single submitter. Criteria: ACMG Guidelines, 2015. Collection method: clinical testing. Allele origin: germline.
Comment: This variant is classified as likely benign based on ACMG/AMP sequence variant interpretation guidelines (Richards et al. 2015 PMID: 25741868, with internal and published modifications).

Labcorp Genetics (formerly Invitae), Labcorp
Classification: Likely benign. Last evaluated: 2025-08-15. Review status: criteria provided, single submitter. Criteria: Invitae Variant Classification Sherloc (09022015). Collection method: clinical testing. Allele origin: germline.

Genome-Nilou Lab
Classification: Likely benign for Age related macular degeneration 1. Last evaluated: 2023-04-11. Review status: criteria provided, single submitter. Criteria: ACMG Guidelines, 2015. Collection method: clinical testing. Allele origin: germline. Affected: no.

Illumina Laboratory Services, Illumina
Classification: Likely benign for Age related macular degeneration 1. Last evaluated: 2018-01-13. Review status: criteria provided, single submitter. Criteria: ICSL Variant Classification Criteria 13 December 2019. Collection method: clinical testing. Allele origin: germline.
Comment: This variant was observed in the ICSL laboratory as part of a predisposition screen in an ostensibly healthy population. It had not been previously curated by ICSL or reported in the Human Gene Mutation Database (HGMD: prior to June 1st, 2018), and was therefore a candidate for classification through an automated scoring system. Utilizing variant allele frequency, disease prevalence and penetrance estimates, and inheritance mode, an automated score was calculated to assess if this variant is too frequent to cause the disease. Based on the score and internal cut-off values, a variant classified as likely benign is not then subjected to further curation. The score for this variant resulted in a classification of likely benign for this disease.